The following is an entry in ClinVar:

NM_001365951.3(KIF1B):c.4853A>T (p.Asp1618Val)

Gene: KIF1B (kinesin family member 1B; plus strand). Cytogenetic location: 1p36.22.
Variant type: single nucleotide variant.
Coding change: c.4853A>T on transcript NM_001365951.3 (MANE Select); coding-DNA position 4853, A replaced by T.
Protein change: p.Asp1618Val; replaces aspartic acid 1618 with valine.
Molecular consequence: missense variant.
Genome position (GRCh38, 1-based): chr1:10,371,169, A>T. VCF-style: chr1-10371169-A-T. GRCh37 (hg19) VCF-style: chr1-10431227-A-T.
Other names: c.4853A>T, p.Asp1618Val (NM_001365952.1); c.4715A>T, p.Asp1572Val (NM_015074.3); short protein forms D1572V, D1618V.
Identifiers: ClinVar variation 4841880 (VCV004841880.1).

ClinVar aggregate classification (germline): Uncertain significance (1 of 4 stars; one submission).

Submission:

Ambry Genetics
Classification: Uncertain significance. Last evaluated: 2025-12-23. Review status: criteria provided, single submitter. Criteria: Ambry Variant Classification Scheme 2023. Collection method: clinical testing. Allele origin: germline.
Comment: The p.D1572V variant (also known as c.4715A>T), located in coding exon 42 of the KIF1B gene, results from an A to T substitution at nucleotide position 4715. The aspartic acid at codon 1572 is replaced by valine, an amino acid with highly dissimilar properties. This amino acid position is conserved. In addition, the in silico prediction for this alteration is inconclusive. Based on the available evidence, the clinical significance of this variant remains unclear.